The following is an entry in ClinVar:

NM_001104647.3(SLC25A36):c.109TCT[1] (p.Ser38del)

Gene: SLC25A36 (solute carrier family 25 member 36; plus strand). Cytogenetic location: 3q23.
Variant type: Microsatellite.
Coding change: c.109TCT[1] on transcript NM_001104647.3 (MANE Select); one copy of the 3-base unit TCT starting at c.109; the reference has two copies in a row; one copy, 3 bases deleted.
Protein change: p.Ser38del; deletes serine 38.
Molecular consequence: inframe deletion.
Genome position (GRCh38, 1-based): chr3:140,956,597-140,956,599, TCT deleted; deleting any 3 consecutive bases within chr3:140,956,594-140,956,599 gives the same sequence; the position shown is the placement nearest the transcript's 3' end. VCF-style (leftmost placement, unchanged base first): chr3-140956593-ATCT-A. GRCh37 (hg19) VCF-style: chr3-140675435-ATCT-A.
Other names: c.109TCT[1], p.Ser38del (NM_018155.3); short protein forms S38del.
Identifiers: ClinVar variation 4981434 (VCV004981434.1).
Genomic context (GRCh38, chr3:140,956,593, plus strand): 5'-TGGTACAGTGGGAGCTATTCTGACATGTCCACTGGAAGTTGTAAAAACACGACTGCAGTC[ATCT>A]TCTGTGACGCTTTATATTTCTGAAGTTCAGCTGAACACCATGGCTGGAGCCAGTGTCAAC-3'

ClinVar aggregate classification (germline): Likely benign (1 of 4 stars; one submission).

Conditions:
SLC25A36-related condition.

Submission:

PreventionGenetics, part of Exact Sciences
Classification: Likely benign for SLC25A36-related condition. Last evaluated: 2026-02-04. Review status: criteria provided, single submitter. Criteria: ACMG Guidelines, 2015. Collection method: clinical testing. Allele origin: germline.
Comment: This variant is classified as likely benign based on ACMG/AMP sequence variant interpretation guidelines (Richards et al. 2015 PMID: 25741868, with internal and published modifications).